The following is an entry in ClinVar:

ClinVar aggregate classification (germline): Pathogenic (1 of 4 stars; one submission).

Submission:

Labcorp Genetics (formerly Invitae), Labcorp
Classification: Pathogenic. Last evaluated: 2022-12-22. Review status: criteria provided, single submitter. Criteria: Invitae Variant Classification Sherloc (09022015). Collection method: clinical testing. Allele origin: germline.
Comment: This sequence change creates a premature translational stop signal (p.Gly397Argfs*10) in the COL9A1 gene. It is expected to result in an absent or disrupted protein product. Loss-of-function variants in COL9A1 are known to be pathogenic (PMID: 16909383, 21421862). This variant is not present in population databases (gnomAD no frequency). This variant has not been reported in the literature in individuals affected with COL9A1-related conditions. For these reasons, this variant has been classified as Pathogenic.

Literature cited by the submitters: PubMed 16909383; PubMed 21421862.

NM_001851.6(COL9A1):c.1181dup (p.Gly397fs)

Genes: COL9A1 (collagen type IX alpha 1 chain; minus strand), LOC129996692 (ATAC-STARR-seq lymphoblastoid active region 24730; plus strand). Cytogenetic location: 6q13.
Variant type: Duplication.
Coding change: c.1181dup on transcript NM_001851.6 (MANE Select); coding-DNA position 1181, one base duplicated (G; older notation c.1181dupG).
Protein change: p.Gly397fs; shifts the reading frame from glycine 397.
Molecular consequence: frameshift variant. On other transcripts: non-coding transcript variant (1).
Genome position (GRCh38, 1-based): chr6:70,270,330, C duplicated on the plus strand (G on the coding strand, the reverse complement: COL9A1 is on the minus strand); the first of 2 consecutive C bases (chr6:70,270,330-70,270,331); duplicating either gives the same sequence. VCF-style (leftmost placement, unchanged base first): chr6-70270329-G-GC. GRCh37 (hg19) VCF-style: chr6-70980032-G-GC.
Other names: c.452dup, p.Gly154fs (NM_001377289.1, NM_001377290.1, NM_078485.4); short protein forms G154fs, G397fs.
Identifiers: ClinVar variation 2823283 (VCV002823283.3), dbSNP rs2483397187, ClinGen allele CA2739273217.